The following is an entry in ClinVar:

ClinVar aggregate classification (germline): Uncertain significance (1 of 4 stars; one submission).

Conditions:
Hyperkalemic periodic paralysis. Also called: Familial hyperkalemic periodic paralysis; Gamstorp disease. Identifiers: Orphanet 682, MedGen C0238357, MONDO:0008224, OMIM 170500, HP:0007215.

gnomAD v4.1: 1 of 1,597,472 alleles (0.000063%); highest among the groups gnomAD compares: Non-Finnish European, 0.000085%; no homozygotes.

Submission:

Labcorp Genetics (formerly Invitae), Labcorp
Classification: Uncertain significance for Hyperkalemic periodic paralysis. Last evaluated: 2025-09-30. Review status: criteria provided, single submitter. Criteria: Invitae Variant Classification Sherloc (09022015). Collection method: clinical testing. Allele origin: germline.
Comment: This sequence change replaces leucine, which is neutral and non-polar, with phenylalanine, which is neutral and non-polar, at codon 858 of the SCN4A protein (p.Leu858Phe). This variant is not present in population databases (gnomAD no frequency). This variant has not been reported in the literature in individuals affected with SCN4A-related conditions. Invitae Evidence Modeling of protein sequence and biophysical properties (such as structural, functional, and spatial information, amino acid conservation, physicochemical variation, residue mobility, and thermodynamic stability) indicates that this missense variant is not expected to disrupt SCN4A protein function with a negative predictive value of 95%. In summary, the available evidence is currently insufficient to determine the role of this variant in disease. Therefore, it has been classified as a Variant of Uncertain Significance.

NM_000334.4(SCN4A):c.2572C>T (p.Leu858Phe)

Genes: GH-LCR (growth hormone locus control region; plus strand), SCN4A (sodium voltage-gated channel alpha subunit 4; minus strand). Cytogenetic location: 17q23.3.
Variant type: single nucleotide variant.
Coding change: c.2572C>T on transcript NM_000334.4 (MANE Select); coding-DNA position 2572, C replaced by T.
Protein change: p.Leu858Phe; replaces leucine 858 with phenylalanine.
Molecular consequence: missense variant.
Genome position (GRCh38, 1-based): chr17:63,951,705, G>A on the plus strand (C>T on the coding strand, the complement: SCN4A is on the minus strand). VCF-style: chr17-63951705-G-A. GRCh37 (hg19) VCF-style: chr17-62029065-G-A.
Other names: short protein forms L858F.
Identifiers: ClinVar variation 4764636 (VCV004764636.1).